The following is an entry in ClinVar:

ClinVar aggregate classification (germline): Likely benign. Review status: criteria provided, multiple submitters, no conflicts (2 of 4 stars). 3 submissions from 3 submitters: Likely benign (2). 1 of the submissions does not count toward it. Last evaluated 2026-02-04.

Conditions:
TOP2B-related disorder. Also called: TOP2B-related condition.

Submissions (3):

Labcorp Genetics (formerly Invitae), Labcorp
Classification: Likely benign. Last evaluated: 2026-02-04. Review status: criteria provided, single submitter. Criteria: Invitae Variant Classification Sherloc (09022015). Collection method: clinical testing. Allele origin: germline.

Blueprint Genetics
Classification: Likely benign. Last evaluated: 2024-11-26. Review status: criteria provided, single submitter. Criteria: ACMG Guidelines, 2015. Collection method: clinical testing. Allele origin: germline.

PreventionGenetics, part of Exact Sciences
Classification: Likely benign for TOP2B-related condition. Last evaluated: 2023-11-22. Review status: no assertion criteria provided. Collection method: clinical testing. Allele origin: germline. Not counted in ClinVar's aggregate classification.
Comment: This variant is classified as likely benign based on ACMG/AMP sequence variant interpretation guidelines (Richards et al. 2015 PMID: 25741868, with internal and published modifications).

NM_001330700.2(TOP2B):c.396-23_396-5del

Gene: TOP2B (DNA topoisomerase II beta; minus strand). Cytogenetic location: 3p24.2.
Variant type: Deletion.
Coding change: c.396-23_396-5del on transcript NM_001330700.2 (MANE Select); 23 bases into the intron before coding-DNA position 396 through 5 bases into the intron before coding-DNA position 396, 19 bases deleted (TTTTTTTTTTTTTTTTTTT).
Molecular consequence: intron variant.
Genome position (GRCh38, 1-based): chr3:25,638,315-25,638,333, AAAAAAAAAAAAAAAAAAA deleted on the plus strand (TTTTTTTTTTTTTTTTTTT on the coding strand, the reverse complement: TOP2B is on the minus strand); deleting any 19 consecutive bases within chr3:25,638,315-25,638,352 gives the same sequence; the c. name uses the placement nearest the transcript's 3' end. VCF-style (leftmost placement, unchanged base first): chr3-25638314-TAAAAAAAAAAAAAAAAAAA-T. GRCh37 (hg19) VCF-style: chr3-25679805-TAAAAAAAAAAAAAAAAAAA-T.
Other names: c.381-23_381-5del (NM_001068.3); c.396-23_396-5del19 (NM_001330700.1).
Identifiers: ClinVar variation 1146422 (VCV001146422.10), dbSNP rs56986587, ClinGen allele CA905648684.